The following is an entry in ClinVar:

ClinVar aggregate classification (germline): Conflicting classifications of pathogenicity. Review status: criteria provided, conflicting classifications (1 of 4 stars). 2 submissions from 2 submitters: Uncertain significance (1); Likely benign (1). Last evaluated 2023-12-03.

Conditions:
RYR1-related disorder. Also called: RYR1-related condition; RYR1-related disorders. Identifiers: MedGen CN239331.
Malignant hyperthermia, susceptibility to, 1 (MHS1). Also called: Malignant hyperthermia suceptibility 1; Anesthesia related hyperthermia; Malignant hyperpyrexia; Fulminating hyperpyrexia; Pharmacogenic myopathy; RYR1-Related Malignant Hyperthermia Susceptibility. Identifiers: Orphanet 423, MedGen C2930980, MONDO:0007783, OMIM 145600.

Allele frequency attached by ClinVar (database versions not stated): gnomAD 0.00001; TOPMed 0.00001; ExAC 0.00002.
gnomAD v4.1: 5 of 1,614,026 alleles (0.00031%); highest among the groups gnomAD compares: African/African-American, 0.0053%; no homozygotes.

Submissions (2):

Labcorp Genetics (formerly Invitae), Labcorp
Classification: Likely benign for RYR1-related disorder. Last evaluated: 2023-12-03. Review status: criteria provided, single submitter. Criteria: Invitae Variant Classification Sherloc (09022015). Collection method: clinical testing. Allele origin: germline.

All of Us Research Program, National Institutes of Health
Classification: Uncertain significance for Malignant hyperthermia, susceptibility to, 1. Last evaluated: 2023-09-17. Review status: criteria provided, single submitter. Criteria: ACMG Guidelines, 2015. Collection method: clinical testing. Allele origin: germline. Inheritance: Autosomal dominant inheritance. Observed: 1 variant allele, 1 heterozygote.
Comment: This variant is located in the RYR1 protein. To our knowledge, functional studies have not been reported for this variant. This variant has not been reported in individuals affected with RYR1-related disorders in the literature. This variant has been identified in 4/251484 chromosomes in the general population by the Genome Aggregation Database (gnomAD). The available evidence is insufficient to determine the role of this variant in disease conclusively. Therefore, this variant is classified as a Variant of Uncertain Significance.

This study involves interpretation of variants in research participants for the purpose of population health screening. Participant phenotype was not available at the time of variant classification. Additional details can be found in publication PMID: 35346344, PMCID: PMC8962531

NM_000540.3(RYR1):c.14583C>A (p.Arg4861=)

Gene: RYR1 (ryanodine receptor 1; plus strand). Cytogenetic location: 19q13.2.
Variant type: single nucleotide variant.
Coding change: c.14583C>A on transcript NM_000540.3 (MANE Select); coding-DNA position 14583, C replaced by A.
Protein change: p.Arg4861=; no amino-acid change (arginine 4861 retained).
Molecular consequence: synonymous variant.
Genome position (GRCh38, 1-based): chr19:38,580,441, C>A. VCF-style: chr19-38580441-C-A. GRCh37 (hg19) VCF-style: chr19-39071081-C-A.
Other names: c.14568C>A, p.Arg4856= (NM_001042723.2).
Identifiers: ClinVar variation 2900366 (VCV002900366.4), dbSNP rs755854964, ClinGen allele CA061401.